The following is an entry in ClinVar:

ClinVar aggregate classification (germline): Pathogenic/Likely pathogenic. Review status: criteria provided, multiple submitters, no conflicts (2 of 4 stars). 3 submissions from 3 submitters: Pathogenic (2); Likely pathogenic (1). Last evaluated 2025-08-29.

Conditions:
Pyruvate dehydrogenase E3 deficiency (DLDD). Also called: MAPLE SYRUP URINE DISEASE, TYPE III; Dihydrolipoamide Dehydrogenase (E3) Deficiency; Lipoamide dehydrogenase deficiency, lactic acidosis due to; E3 DEFICIENCY; Lipoamide dehydrogenase deficiency; Dihydrolipoamide Dehydrogenase Deficiency. Identifiers: Orphanet 2394, Orphanet 765, MedGen C5574660, MONDO:0009529, OMIM 246900.

Submissions (3):

Myriad Genetics, Inc.
Classification: Pathogenic for Pyruvate dehydrogenase E3 deficiency. Last evaluated: 2025-08-29. Review status: criteria provided, single submitter. Criteria: Myriad Autosomal Dominant, Autosomal Recessive and X-Linked Classification Criteria (2023). Collection method: clinical testing. Allele origin: unknown.
Comment: NM_000108.3(DLD):c.82dupT(S28Ffs*14) is a frameshift variant classified as pathogenic in the context of dihydrolipoamide dehydrogenase deficiency. S28Ffs*14 has not been observed in cases with relevant disease. Relevant functional assessments of this variant are not available in the literature. S28Ffs*14 has been observed in referenced population frequency databases. In summary, NM_000108.3(DLD):c.82dupT(S28Ffs*14) is a frameshift variant that has been observed more frequently in cases with the relevant disease than in healthy populations. Please note: this variant was assessed in the context of healthy population screening.

Baylor Genetics
Classification: Likely pathogenic for Pyruvate dehydrogenase E3 deficiency. Last evaluated: 2023-10-23. Review status: criteria provided, single submitter. Criteria: ACMG Guidelines, 2015. Collection method: clinical testing. Allele origin: unknown.

Labcorp Genetics (formerly Invitae), Labcorp
Classification: Pathogenic for Pyruvate dehydrogenase E3 deficiency. Last evaluated: 2023-09-03. Review status: criteria provided, single submitter. Criteria: Invitae Variant Classification Sherloc (09022015). Collection method: clinical testing. Allele origin: germline.
Comment: This variant has not been reported in the literature in individuals affected with DLD-related conditions. For these reasons, this variant has been classified as Pathogenic. This sequence change creates a premature translational stop signal (p.Ser28Phefs*14) in the DLD gene. It is expected to result in an absent or disrupted protein product. Loss-of-function variants in DLD are known to be pathogenic (PMID: 8968745, 9934985). This variant is present in population databases (rs764704217, gnomAD 0.0009%).

Literature cited by the submitters: PubMed 8968745 (cited by Labcorp Genetics (formerly Invitae), Labcorp); PubMed 9934985 (cited by Labcorp Genetics (formerly Invitae), Labcorp).

NM_000108.5(DLD):c.82dup (p.Ser28fs)

Gene: DLD (dihydrolipoamide dehydrogenase; plus strand). Cytogenetic location: 7q31.1.
Variant type: Duplication.
Coding change: c.82dup on transcript NM_000108.5 (MANE Select); coding-DNA position 82, one base duplicated (T; older notation c.82dupT).
Protein change: p.Ser28fs; shifts the reading frame from serine 28.
Molecular consequence: frameshift variant. On other transcripts: 5 prime UTR variant (1).
Genome position (GRCh38, 1-based): chr7:107,893,242, T duplicated; the last of 3 consecutive T bases (chr7:107,893,240-107,893,242); duplicating any one gives the same sequence. VCF-style (leftmost placement, unchanged base first): chr7-107893239-C-CT. GRCh37 (hg19) VCF-style: chr7-107533684-C-CT.
Other names: c.-67dup (NM_001289750.1); c.82dup, p.Ser28fs (NM_001289751.1, NM_001289752.1); short protein forms S28fs.
Identifiers: ClinVar variation 2674847 (VCV002674847.5), dbSNP rs764704217, ClinGen allele CA4434346.